The following is an entry in ClinVar:

NM_000719.7(CACNA1C):c.984C>T (p.Asn328=)

Gene: CACNA1C (calcium voltage-gated channel subunit alpha1 C; plus strand). Cytogenetic location: 12p13.33.
Variant type: single nucleotide variant.
Coding change: c.984C>T on transcript NM_000719.7 (MANE Select); coding-DNA position 984, C replaced by T.
Protein change: p.Asn328=; no amino-acid change (asparagine 328 retained).
Molecular consequence: synonymous variant.
Genome position (GRCh38, 1-based): chr12:2,493,257, C>T. VCF-style: chr12-2493257-C-T. GRCh37 (hg19) VCF-style: chr12-2602423-C-T.
Other names: c.984C>T (NM_199460.3); c.984C>T, p.Asn328= (NM_001129827.2, NM_001129829.2, NM_001129830.3 and 18 more transcripts); c.975C>T, p.Asn325= (NM_001129844.2).
Identifiers: ClinVar variation 416849 (VCV000416849.27), dbSNP rs374050127, ClinGen allele CA6388587.
Genomic context (GRCh38, chr12:2,493,257, plus strand): 5'-AGCAGAAGATGACCCTTCCCCTTGTGCGCTGGAAACGGGCCACGGGCGGCAGTGCCAGAA[C>T]GGCACGGTGTGCAAGCCCGGCTGGGATGGTCCCAAGCACGGCATCACCAACTTTGACAAC-3'
Protein context (NP_000710.5, residues 318-338): LETGHGRQCQ[Asn328=]GTVCKPGWDG

ClinVar aggregate classification (germline): Benign/Likely benign. Review status: criteria provided, multiple submitters, no conflicts (2 of 4 stars). 9 submissions from 9 submitters: Benign (2); Likely benign (5). 2 of the submissions do not count toward it. Last evaluated 2026-02-01.

Conditions:
CACNA1C-related disorder. Also called: CACNA1C-related condition; CACNA1C-related disorders. Identifiers: MedGen CN381092, MONDO:0700321.
Cardiovascular phenotype. Identifiers: MedGen CN230736.
Long QT syndrome (LQTS). Identifiers: MedGen C0023976, MeSH D008133, MONDO:0002442. Disease mechanism: loss of function. Inheritance: Various modes of inheritance.

Allele frequency attached by ClinVar (database versions not stated): gnomAD exomes 0.00006 and 0.00012; ExAC 0.00015; gnomAD 0.00029; ESP Exome Variant Server 0.00031; TOPMed 0.00033; 1000 Genomes Project 0.00060; 1000 Genomes Project 30x 0.00062.
gnomAD v4.1: 140 of 1,614,024 alleles (0.0087%); highest among the groups gnomAD compares: African/African-American, 0.099%; no homozygotes.

Submissions (9):

CeGaT Center for Human Genetics Tuebingen
Classification: Likely benign. Last evaluated: 2026-02-01. Review status: criteria provided, single submitter. Criteria: CeGaT Center For Human Genetics Tuebingen Variant Classification Criteria Version 2. Collection method: clinical testing. Allele origin: germline. Affected: yes. Observed: 1 variant allele.
Comment: CACNA1C: BP4, BP7

Labcorp Genetics (formerly Invitae), Labcorp
Classification: Benign for Long QT syndrome. Last evaluated: 2026-01-19. Review status: criteria provided, single submitter. Criteria: Invitae Variant Classification Sherloc (09022015). Collection method: clinical testing. Allele origin: germline.

PreventionGenetics, part of Exact Sciences
Classification: Likely benign for CACNA1C-related condition. Last evaluated: 2025-12-10. Review status: criteria provided, single submitter. Criteria: ACMG Guidelines, 2015. Collection method: clinical testing. Allele origin: germline.
Comment: This variant is classified as likely benign based on ACMG/AMP sequence variant interpretation guidelines (Richards et al. 2015 PMID: 25741868, with internal and published modifications).

Molecular Diagnostic Laboratory for Inherited Cardiovascular Disease, Montreal Heart Institute
Classification: Likely benign. Last evaluated: 2025-04-09. Review status: criteria provided, single submitter. Criteria: ACMG Guidelines, 2015. Collection method: clinical testing. Allele origin: germline. Affected: no.

Blueprint Genetics
Classification: Likely benign. Last evaluated: 2023-04-12. Review status: criteria provided, single submitter. Criteria: ACMG Guidelines, 2015. Collection method: clinical testing. Allele origin: germline.

Ambry Genetics
Classification: Likely benign for Cardiovascular phenotype. Last evaluated: 2016-12-09. Review status: criteria provided, single submitter. Criteria: Ambry Variant Classification Scheme 2023. Collection method: clinical testing. Allele origin: germline.

GeneDx
Classification: Benign. Last evaluated: 2015-03-03. Review status: criteria provided, single submitter. Criteria: GeneDx Variant Classification Process June 2021. Collection method: clinical testing. Allele origin: germline. Affected: yes.

Clinical Genetics DNA and cytogenetics Diagnostics Lab, Erasmus MC, Erasmus Medical Center
Classification: Likely benign. Review status: no assertion criteria provided. Collection method: clinical testing. Allele origin: germline. Affected: yes. Study: VKGL Data-share Consensus. Not counted in ClinVar's aggregate classification.

Clinical Genetics, Academic Medical Center
Classification: Benign. Review status: no assertion criteria provided. Collection method: clinical testing. Allele origin: germline. Affected: yes. Study: VKGL Data-share Consensus. Not counted in ClinVar's aggregate classification.